The following is an entry in ClinVar:

ClinVar aggregate classification (germline): Conflicting classifications of pathogenicity. Review status: criteria provided, conflicting classifications (1 of 4 stars). 2 submissions from 2 submitters: Likely pathogenic (1); Uncertain significance (1). Last evaluated 2023-06-16.

Conditions:
DNAAF5-related disorders.
Primary ciliary dyskinesia. Also called: Ciliary dyskinesia. Identifiers: Orphanet 244, MedGen C0008780, MONDO:0016575, HP:0012265.

Allele frequency attached by ClinVar (database versions not stated): TOPMed 0.00001; gnomAD 0.00002.
gnomAD v4.1: 3 of 1,612,892 alleles (0.00019%); highest among the groups gnomAD compares: African/African-American, 0.004%; no homozygotes.

Submissions (2):

Ambry Genetics
Classification: Uncertain significance for Primary ciliary dyskinesia. Last evaluated: 2023-06-16. Review status: criteria provided, single submitter. Criteria: Ambry Variant Classification Scheme 2023. Collection method: clinical testing. Allele origin: germline.
Comment: The c.1931+2T>C intronic variant results from a T to C substitution two nucleotide after coding exon 9 of the DNAAF5 gene. This nucleotide position is highly conserved in available vertebrate species. In silico splice site analysis predicts that this alteration will weaken the native splice donor site and will result in the creation or strengthening of a novel splice donor site. Alterations that disrupt the canonical splice site are expected to cause aberrant splicing, resulting in an abnormal protein or a transcript that is subject to nonsense-mediated mRNA decay; however, +2T>C alterations are capable of generating wild-type transcripts in some genomic contexts and should be interpreted with caution (Lin JH et al. Hum Mutat. 2019 10;40:1856-1873). Since supporting evidence is limited at this time, the clinical significance of this alteration remains unclear.

Blueprint Genetics
Classification: Likely pathogenic for DNAAF5-related disorders. Last evaluated: 2022-07-13. Review status: criteria provided, single submitter. Criteria: ACMG Guidelines, 2015. Collection method: clinical testing. Allele origin: germline. Affected: yes. Observed: 1 variant allele.

NM_017802.4(DNAAF5):c.1931+2T>C

Gene: DNAAF5 (dynein axonemal assembly factor 5; plus strand). Cytogenetic location: 7p22.3.
Variant type: single nucleotide variant.
Coding change: c.1931+2T>C on transcript NM_017802.4 (MANE Select); the canonical splice donor site of the intron after coding-DNA position 1931, T replaced by C.
Molecular consequence: splice donor variant.
Genome position (GRCh38, 1-based): chr7:770,620, T>C. VCF-style: chr7-770620-T-C. GRCh37 (hg19) VCF-style: chr7-810257-T-C.
Identifiers: ClinVar variation 2563335 (VCV002563335.4), dbSNP rs1439423086, ClinGen allele CA366543424.